The following is an entry in ClinVar:

NM_006437.4(PARP4):c.3659G>A (p.Arg1220Lys)

Gene: PARP4 (poly(ADP-ribose) polymerase family member 4; minus strand). Cytogenetic location: 13q12.12.
Variant type: single nucleotide variant.
Coding change: c.3659G>A on transcript NM_006437.4 (MANE Select); coding-DNA position 3659, G replaced by A.
Protein change: p.Arg1220Lys; replaces arginine 1220 with lysine.
Molecular consequence: missense variant.
Genome position (GRCh38, 1-based): chr13:24,441,853, C>T on the plus strand (G>A on the coding strand, the complement: PARP4 is on the minus strand). VCF-style: chr13-24441853-C-T. GRCh37 (hg19) VCF-style: chr13-25015991-C-T.
Other names: short protein forms R1220K.
Identifiers: ClinVar variation 2312353 (VCV002312353.27), dbSNP rs143107378, ClinGen allele CA6915284.

ClinVar aggregate classification (germline): Conflicting classifications of pathogenicity. Review status: criteria provided, conflicting classifications (1 of 4 stars). 2 submissions from 2 submitters: Uncertain significance (1); Likely benign (1). Last evaluated 2025-08-13.

Allele frequency attached by ClinVar (database versions not stated): TOPMed 0.00003; gnomAD 0.00004; gnomAD exomes 0.00007; ExAC 0.00012; ESP Exome Variant Server 0.00015.
gnomAD v4.1: 108 of 1,594,800 alleles (0.0068%); highest among the groups gnomAD compares: Non-Finnish European, 0.0087%; no homozygotes.

Submissions (2):

Ambry Genetics
Classification: Uncertain significance. Last evaluated: 2025-08-13. Review status: criteria provided, single submitter. Criteria: Ambry Variant Classification Scheme 2023. Collection method: clinical testing. Allele origin: germline.

CeGaT Center for Human Genetics Tuebingen
Classification: Likely benign. Last evaluated: 2022-06-01. Review status: criteria provided, single submitter. Criteria: CeGaT Center For Human Genetics Tuebingen Variant Classification Criteria Version 2. Collection method: clinical testing. Allele origin: germline. Affected: yes. Observed: 1 variant allele.
Comment: PARP4: BP4